The following is an entry in ClinVar:

ClinVar aggregate classification (germline): Uncertain significance (1 of 4 stars; one submission).

gnomAD v4.1: 1 of 1,613,984 alleles (0.000062%); highest among the groups gnomAD compares: Admixed American, 0.0017%; no homozygotes.

Submission:

Labcorp Genetics (formerly Invitae), Labcorp
Classification: Uncertain significance. Last evaluated: 2022-05-06. Review status: criteria provided, single submitter. Criteria: Invitae Variant Classification Sherloc (09022015). Collection method: clinical testing. Allele origin: germline.
Comment: Algorithms developed to predict the effect of missense changes on protein structure and function are either unavailable or do not agree on the potential impact of this missense change (SIFT: "Deleterious"; PolyPhen-2: "Probably Damaging"; Align-GVGD: "Class C0"). ClinVar contains an entry for this variant (Variation ID: 1057338). This variant has not been reported in the literature in individuals affected with CNNM4-related conditions. This variant is not present in population databases (gnomAD no frequency). This sequence change replaces isoleucine, which is neutral and non-polar, with methionine, which is neutral and non-polar, at codon 500 of the CNNM4 protein (p.Ile500Met). In summary, the available evidence is currently insufficient to determine the role of this variant in disease. Therefore, it has been classified as a Variant of Uncertain Significance.

NM_020184.4(CNNM4):c.1500C>G (p.Ile500Met)

Gene: CNNM4 (cyclin and CBS domain divalent metal cation transport mediator 4; plus strand). Cytogenetic location: 2q11.2.
Variant type: single nucleotide variant.
Coding change: c.1500C>G on transcript NM_020184.4 (MANE Select); coding-DNA position 1500, C replaced by G.
Protein change: p.Ile500Met; replaces isoleucine 500 with methionine.
Molecular consequence: missense variant.
Genome position (GRCh38, 1-based): chr2:96,797,109, C>G. VCF-style: chr2-96797109-C-G. GRCh37 (hg19) VCF-style: chr2-97462846-C-G.
Other names: short protein forms I500M.
Identifiers: ClinVar variation 1057338 (VCV001057338.9), dbSNP rs144915228, ClinGen allele CA347702548.